The following is an entry in ClinVar:

NM_003000.3(SDHB):c.201-10T>A

Gene: SDHB (succinate dehydrogenase complex iron sulfur subunit B; minus strand). Cytogenetic location: 1p36.13.
Variant type: single nucleotide variant.
Coding change: c.201-10T>A on transcript NM_003000.3 (MANE Select); 10 bases into the intron before coding-DNA position 201, T replaced by A.
Molecular consequence: intron variant.
Genome position (GRCh38, 1-based): chr1:17,033,155, A>T on the plus strand (T>A on the coding strand, the complement: SDHB is on the minus strand). VCF-style: chr1-17033155-A-T. GRCh37 (hg19) VCF-style: chr1-17359650-A-T.
Identifiers: ClinVar variation 664170 (VCV000664170.6), dbSNP rs761461907, ClinGen allele CA089535.

ClinVar aggregate classification (germline): Uncertain significance (1 of 4 stars; one submission).

Conditions:
Pheochromocytoma/paraganglioma syndrome 4. Also called: SDHB-Related Hereditary Paraganglioma-Pheochromocytoma Syndrome (Paragangliomas 4); SDHB-Related Hereditary Paraganglioma-Pheochromocytoma Syndrome; CAROTID BODY TUMORS AND MULTIPLE EXTRAADRENAL PHEOCHROMOCYTOMAS; PARAGANGLIOMA, FAMILIAL MALIGNANT; PARAGANGLIOMAS, HEREDITARY EXTRAADRENAL; PHEOCHROMOCYTOMA, FAMILIAL EXTRAADRENAL. Identifiers: Orphanet 29072, MedGen C1861848, MONDO:0007273, OMIM 115310.
Pheochromocytoma. Also called: MAX-Related Hereditary Paraganglioma-Pheochromocytoma Syndrome. Identifiers: Orphanet 29072, MedGen C0031511, MONDO:0008233, OMIM 171300, HP:0002666.
Gastrointestinal stromal tumor. Also called: Gastrointestinal stromal tumor, somatic; Gastrointestinal stroma tumor. Identifiers: Orphanet 44890, MedGen C0238198, MeSH D046152, MONDO:0011719, OMIM 606764, HP:0100723.

Allele frequency attached by ClinVar (database versions not stated): ExAC 0.00002.
gnomAD v4.1: 2 of 1,593,330 alleles (0.00013%); highest among the groups gnomAD compares: Non-Finnish European, 0.00017%; no homozygotes.

Submission:

Labcorp Genetics (formerly Invitae), Labcorp
Classification: Uncertain significance for Gastrointestinal stromal tumor; Pheochromocytoma/paraganglioma syndrome 4; Pheochromocytoma. Last evaluated: 2024-02-02. Review status: criteria provided, single submitter. Criteria: Invitae Variant Classification Sherloc (09022015). Collection method: clinical testing. Allele origin: germline.
Comment: This sequence change falls in intron 2 of the SDHB gene. It does not directly change the encoded amino acid sequence of the SDHB protein. This variant is present in population databases (rs761461907, gnomAD 0.002%). This variant has not been reported in the literature in individuals affected with SDHB-related conditions. ClinVar contains an entry for this variant (Variation ID: 664170). Algorithms developed to predict the effect of sequence changes on RNA splicing suggest that this variant may disrupt the consensus splice site. In summary, the available evidence is currently insufficient to determine the role of this variant in disease. Therefore, it has been classified as a Variant of Uncertain Significance.